The following is an entry in ClinVar:

NM_001128425.2(MUTYH):c.174dup (p.Ala59fs)

Gene: MUTYH (mutY DNA glycosylase; minus strand). Cytogenetic location: 1p34.1.
Variant type: Duplication.
Coding change: c.174dup on transcript NM_001128425.2 (MANE Plus Clinical); coding-DNA position 174, one base duplicated (T; older notation c.174dupT).
Protein change: p.Ala59fs; shifts the reading frame from alanine 59.
Molecular consequence: frameshift variant. On other transcripts: intron variant (24).
Genome position (GRCh38, 1-based): chr1:45,333,587, A duplicated on the plus strand (T on the coding strand, the reverse complement: MUTYH is on the minus strand); the first of 2 consecutive A bases (chr1:45,333,587-45,333,588); duplicating either gives the same sequence. VCF-style (leftmost placement, unchanged base first): chr1-45333586-C-CA. GRCh37 (hg19) VCF-style: chr1-45799258-C-CA.
Other names: c.123dup, p.Ala42fs (NM_001293191.2, NM_001407077.1); c.165dup, p.Ala56fs (NM_001407069.1, NM_012222.3); c.6dup, p.Ala3fs (NM_001407075.1); c.132dup, p.Ala45fs (NM_001407083.1, NM_001407085.1); c.116-26dup (NM_001407072.1, NM_001048171.2, NM_001407070.1 and 7 more transcripts); c.-92-90dup (NM_001350651.2, NM_001407082.1); c.-97-90dup (NM_001293192.2, NM_001293196.2, NM_001407091.1); c.-156-26dup (NM_001350650.2); and 4 more; short protein forms A3fs, A42fs, A45fs, A56fs, A59fs.
Identifiers: ClinVar variation 3647385 (VCV003647385.2).

ClinVar aggregate classification (germline): Pathogenic (1 of 4 stars; one submission).

Conditions:
Familial adenomatous polyposis 2. Also called: FAP type 2; COLORECTAL ADENOMATOUS POLYPOSIS, AUTOSOMAL RECESSIVE; ADENOMAS, MULTIPLE COLORECTAL, AUTOSOMAL RECESSIVE; MYH-associated polyposis; Adenomas, multiple colorectal; MUTYH-associated polyposis. Identifiers: Orphanet 220460, Orphanet 247798, MedGen C3272841, MONDO:0012041, OMIM 608456.

Submission:

Labcorp Genetics (formerly Invitae), Labcorp
Classification: Pathogenic for Familial adenomatous polyposis 2. Last evaluated: 2024-03-23. Review status: criteria provided, single submitter. Criteria: Invitae Variant Classification Sherloc (09022015). Collection method: clinical testing. Allele origin: germline.
Comment: This sequence change creates a premature translational stop signal (p.Ala59Cysfs*2) in the MUTYH gene. It is expected to result in an absent or disrupted protein product. Loss-of-function variants in MUTYH are known to be pathogenic (PMID: 18534194, 20663686). This variant is not present in population databases (gnomAD no frequency). This variant has not been reported in the literature in individuals affected with MUTYH-related conditions. For these reasons, this variant has been classified as Pathogenic.

Literature cited by the submitters: PubMed 18534194; PubMed 20663686.